The following is an entry in ClinVar:

ClinVar aggregate classification (germline): Likely benign (1 of 4 stars; one submission).

gnomAD v4.1: 13 of 1,614,008 alleles (0.00081%); highest among the groups gnomAD compares: Non-Finnish European, 0.0011%; no homozygotes.

Submission:

CeGaT Center for Human Genetics Tuebingen
Classification: Likely benign. Last evaluated: 2025-10-01. Review status: criteria provided, single submitter. Criteria: CeGaT Center For Human Genetics Tuebingen Variant Classification Criteria Version 2. Collection method: clinical testing. Allele origin: germline. Affected: yes. Observed: 1 variant allele.
Comment: GEMIN4: BP4, BP7

NM_015721.3(GEMIN4):c.385C>T (p.Leu129=)

Gene: GEMIN4 (gem nuclear organelle associated protein 4; minus strand). Cytogenetic location: 17p13.3.
Variant type: single nucleotide variant.
Coding change: c.385C>T on transcript NM_015721.3 (MANE Select); coding-DNA position 385, C replaced by T.
Protein change: p.Leu129=; no amino-acid change (leucine 129 retained).
Molecular consequence: synonymous variant.
Genome position (GRCh38, 1-based): chr17:747,658, G>A on the plus strand (C>T on the coding strand, the complement: GEMIN4 is on the minus strand). VCF-style: chr17-747658-G-A. GRCh37 (hg19) VCF-style: chr17-650898-G-A.
Identifiers: ClinVar variation 4535023 (VCV004535023.6).